The following is an entry in ClinVar:

NM_018071.5(ARHGEF40):c.877A>G (p.Lys293Glu)

Gene: ARHGEF40 (Rho guanine nucleotide exchange factor 40; plus strand). Cytogenetic location: 14q11.2.
Variant type: single nucleotide variant.
Coding change: c.877A>G on transcript NM_018071.5 (MANE Select); coding-DNA position 877, A replaced by G.
Protein change: p.Lys293Glu; replaces lysine 293 with glutamic acid.
Molecular consequence: missense variant. On other transcripts: 5 prime UTR variant (2).
Genome position (GRCh38, 1-based): chr14:21,074,607, A>G. VCF-style: chr14-21074607-A-G. GRCh37 (hg19) VCF-style: chr14-21542766-A-G.
Other names: c.-1293A>G (NM_001278529.2); c.-1099A>G (NM_001278530.2); short protein forms K293E.
Identifiers: ClinVar variation 1298043 (VCV001298043.3), dbSNP rs12889267, ClinGen allele CA7086292.

ClinVar aggregate classification (germline): Benign. Review status: criteria provided, multiple submitters, no conflicts (2 of 4 stars). 2 submissions from 2 submitters: Benign (2). Last evaluated 2020-01-16.

Allele frequency attached by ClinVar (database versions not stated): ESP Exome Variant Server 0.10756; 1000 Genomes Project 0.11761; 1000 Genomes Project 30x 0.12055; gnomAD 0.12626 and 0.12853; TOPMed 0.13289; gnomAD exomes 0.16038 and 0.16397; ExAC 0.19901.

Submissions (2):

GeneDx
Classification: Benign. Last evaluated: 2020-01-16. Review status: criteria provided, single submitter. Criteria: GeneDx Variant Classification Process June 2021. Collection method: clinical testing. Allele origin: germline. Affected: yes.
Comment: This variant is associated with the following publications: (PMID: 27798624)

Breakthrough Genomics
Classification: Benign. Review status: criteria provided, single submitter. Criteria: ACMG Guidelines, 2015. Collection method: not provided. Allele origin: germline. Inheritance: Unknown mechanism. Affected: yes.